The following is an entry in ClinVar:

NM_005476.7(GNE):c.470_471del (p.His157fs)

Gene: GNE (glucosamine (UDP-N-acetyl)-2-epimerase/N-acetylmannosamine kinase; minus strand). Cytogenetic location: 9p13.3.
Variant type: Deletion.
Coding change: c.470_471del on transcript NM_005476.7 (MANE Select); coding-DNA positions 470 to 471, 2 bases deleted (AT; older notation c.470_471delAT).
Protein change: p.His157fs; shifts the reading frame from histidine 157.
Molecular consequence: frameshift variant.
Genome position (GRCh38, 1-based): chr9:36,246,176-36,246,177, AT deleted on the plus strand (AT on the coding strand, the reverse complement: GNE is on the minus strand). VCF-style (leftmost placement, unchanged base first): chr9-36246175-CAT-C. GRCh37 (hg19) VCF-style: chr9-36246172-CAT-C.
Other names: c.563_564del, p.His188fs (NM_001128227.3); c.470_471del, p.His157fs (NM_001190383.3, NM_001374797.1); c.293_294del, p.His98fs (NM_001190384.3, NM_001190388.2, NM_001374798.1); short protein forms H157fs, H98fs, H188fs.
Identifiers: ClinVar variation 498582 (VCV000498582.17), dbSNP rs1554663368, ClinGen allele CA658797205.

ClinVar aggregate classification (germline): Pathogenic. Review status: criteria provided, multiple submitters, no conflicts (2 of 4 stars). 2 submissions from 2 submitters: Pathogenic (2). Last evaluated 2023-12-30.

Conditions:
Sialuria. Also called: SIALURIA, FRENCH TYPE; Sialic Acid Storage Disease. Identifiers: Orphanet 3166, MedGen C0342853, MONDO:0010028, OMIM 269921.
GNE myopathy (NM). Also called: NONAKA DISTAL MYOPATHY; INCLUSION BODY MYOPATHY, HEREDITARY, AUTOSOMAL RECESSIVE; INCLUSION BODY MYOPATHY 2, AUTOSOMAL RECESSIVE; IBM 2; Inclusion body myopathy autosomal recessive; Inclusion body myopathy quadriceps sparing. Identifiers: Orphanet 602, MedGen C1853926, MONDO:0011603, OMIM 605820.

Allele frequency attached by ClinVar (database versions not stated): gnomAD exomes below 0.00001.

Submissions (2):

Labcorp Genetics (formerly Invitae), Labcorp
Classification: Pathogenic for Sialuria; GNE myopathy. Last evaluated: 2023-12-30. Review status: criteria provided, single submitter. Criteria: Invitae Variant Classification Sherloc (09022015). Collection method: clinical testing. Allele origin: germline.
Comment: This sequence change creates a premature translational stop signal (p.His188Argfs*16) in the GNE gene. It is expected to result in an absent or disrupted protein product. Loss-of-function variants in GNE are known to be pathogenic (PMID: 24027297). This variant is not present in population databases (gnomAD no frequency). This premature translational stop signal has been observed in individual(s) with distal myopathy with rimmed vacuoles (PMID: 23549799). This variant is also known as His157fs. ClinVar contains an entry for this variant (Variation ID: 498582). For these reasons, this variant has been classified as Pathogenic.

Eurofins Ntd Llc (ga)
Classification: Pathogenic. Last evaluated: 2016-11-17. Review status: criteria provided, single submitter. Criteria: EGL Classification Definitions 2015. Collection method: clinical testing. Allele origin: germline. Observed: 1 variant allele, 1 heterozygote.

Literature cited by the submitters: PubMed 24027297 (cited by Labcorp Genetics (formerly Invitae), Labcorp); PubMed 23549799 (cited by Labcorp Genetics (formerly Invitae), Labcorp).